The following is an entry in ClinVar:

NM_005359.6(SMAD4):c.*685A>C

Gene: SMAD4 (SMAD family member 4; plus strand). Cytogenetic location: 18q21.2.
Variant type: single nucleotide variant.
Coding change: c.*685A>C on transcript NM_005359.6 (MANE Select); 685 bases downstream of the stop codon, A replaced by C.
Molecular consequence: 3 prime UTR variant.
Genome position (GRCh38, 1-based): chr18:51,079,152, A>C. VCF-style: chr18-51079152-A-C. GRCh37 (hg19) VCF-style: chr18-48605522-A-C.
Identifiers: ClinVar variation 327119 (VCV000327119.6), dbSNP rs16952798, ClinGen allele CA10647768.

ClinVar aggregate classification (germline): Benign. Review status: criteria provided, multiple submitters, no conflicts (2 of 4 stars). 4 submissions from 2 submitters: Benign (4). Last evaluated 2018-01-12.

Conditions:
Myhre syndrome (MYHRS). Also called: LARYNGOTRACHEAL STENOSIS, ARTHROPATHY, PROGNATHISM, AND SHORT STATURE; LAPS SYNDROME. Identifiers: Orphanet 2588, MedGen C0796081, MONDO:0007688, OMIM 139210.
Juvenile polyposis/hereditary hemorrhagic telangiectasia syndrome (JPHT). Also called: JP/HHT SYNDROME; JUVENILE POLYPOSIS WITH HEREDITARY HEMORRHAGIC TELANGIECTASIA; POLYPOSIS, GENERALIZED JUVENILE, WITH PULMONARY ARTERIOVENOUS MALFORMATION; TELANGIECTASIA, HEREDITARY HEMORRHAGIC, WITH JUVENILE POLYPOSIS COLI; Juvenile Polyposis Syndrome / Hereditary Hemorrhagic Telangiectasia (JPS/HHT). Identifiers: Orphanet 2929, MedGen C1832942, MONDO:0008278, OMIM 175050.
Generalized juvenile polyposis/juvenile polyposis coli. Also called: Juvenile polyposis coli. Identifiers: Orphanet 329971, MedGen C1868081, MONDO:0008276.

Allele frequency attached by ClinVar (database versions not stated): gnomAD exomes 0.00674; gnomAD 0.03134 and 0.03369; 1000 Genomes Project 0.03514; TOPMed 0.03559; 1000 Genomes Project 30x 0.03826.
gnomAD v4.1: 5,349 of 232,920 alleles (2.3%); highest among the groups gnomAD compares: African/African-American, 11%; 307 homozygotes.

Submissions (4):

Illumina Laboratory Services, Illumina
Classification: Benign for Myhre syndrome. Last evaluated: 2018-01-12. Review status: criteria provided, single submitter. Criteria: ICSL Variant Classification Criteria 13 December 2019. Collection method: clinical testing. Allele origin: germline.
Comment: This variant was observed in the ICSL laboratory as part of a predisposition screen in an ostensibly healthy population. It had not been previously curated by ICSL or reported in the Human Gene Mutation Database (HGMD: prior to June 1st, 2018), and was therefore a candidate for classification through an automated scoring system. Utilizing variant allele frequency, disease prevalence and penetrance estimates, and inheritance mode, an automated score was calculated to assess if this variant is too frequent to cause the disease. Based on the score and internal cut-off values, a variant classified as benign is not then subjected to further curation. The score for this variant resulted in a classification of benign for this disease.

Illumina Laboratory Services, Illumina
Classification: Benign for Juvenile polyposis/hereditary hemorrhagic telangiectasia syndrome. Last evaluated: 2018-01-12. Review status: criteria provided, single submitter. Criteria: ICSL Variant Classification Criteria 13 December 2019. Collection method: clinical testing. Allele origin: germline.
Comment: the same text as in the submission from Illumina Laboratory Services, Illumina above.

Illumina Laboratory Services, Illumina
Classification: Benign for Juvenile polyposis syndrome. Last evaluated: 2018-01-12. Review status: criteria provided, single submitter. Criteria: ICSL Variant Classification Criteria 13 December 2019. Collection method: clinical testing. Allele origin: germline.
Comment: the same text as in the submission from Illumina Laboratory Services, Illumina above.

Breakthrough Genomics
Classification: Benign. Review status: criteria provided, single submitter. Criteria: ACMG Guidelines, 2015. Collection method: not provided. Allele origin: germline. Inheritance: Autosomal dominant inheritance. Affected: yes.